The following is an entry in ClinVar:

ClinVar aggregate classification (germline): Uncertain significance (0 of 4 stars; one submission).

Conditions:
PRRC2A-related disorder. Also called: PRRC2A-related condition.

Submission:

PreventionGenetics, part of Exact Sciences
Classification: Uncertain significance for PRRC2A-related condition. Last evaluated: 2023-12-17. Review status: no assertion criteria provided. Collection method: clinical testing. Allele origin: germline.
Comment: The PRRC2A c.1423_1425delGAG variant is predicted to result in an in-frame deletion (p.Glu475del). To our knowledge, this variant has not been reported in the literature or in a large population database, indicating this variant is rare. At this time, the clinical significance of this variant is uncertain due to the absence of conclusive functional and genetic evidence.

NM_004638.4(PRRC2A):c.1420GAG[1] (p.Glu475del)

Gene: PRRC2A (proline rich coiled-coil 2A; plus strand). Cytogenetic location: 6p21.33.
Variant type: Microsatellite.
Coding change: c.1420GAG[1] on transcript NM_004638.4 (MANE Select); one copy of the 3-base unit GAG starting at c.1420; the reference has two copies in a row; one copy, 3 bases deleted.
Protein change: p.Glu475del; deletes glutamic acid 475.
Genome position (GRCh38, 1-based): chr6:31,627,897-31,627,899, GAG deleted; deleting any 3 consecutive bases within chr6:31,627,894-31,627,899 gives the same sequence; the position shown is the placement nearest the transcript's 3' end. VCF-style (leftmost placement, unchanged base first): chr6-31627893-AGAG-A. GRCh37 (hg19) VCF-style: chr6-31595670-AGAG-A.
Other names: c.1420GAG[1], p.Glu475del (NM_080686.3); short protein forms E475del.
Identifiers: ClinVar variation 3045312 (VCV003045312.2), dbSNP rs2533698826, ClinGen allele CA2578566024.
Genomic context (GRCh38, chr6:31,627,893, plus strand): 5'-AAAGCAGTCGTCATCTGAGATTTCCCTGGCAGTGGAGCGGGCCCGGCGACGGCGAGAAGA[AGAG>A]GAGCGGCGCATGCAAGAAGAGCGCCGGGCAGCCTGTGCTGAGAAGCTCAAGCGACTCGAT-3'